The following is an entry in ClinVar:

ClinVar aggregate classification (germline): Uncertain significance (1 of 4 stars; one submission).

Conditions:
Nemaline myopathy 6 (NEM6). Also called: Nemaline myopathy 6, autosomal dominant. Identifiers: Orphanet 171439, MedGen C1836472, MONDO:0012237, OMIM 609273.

Submission:

Labcorp Genetics (formerly Invitae), Labcorp
Classification: Uncertain significance for Nemaline myopathy 6. Last evaluated: 2025-08-26. Review status: criteria provided, single submitter. Criteria: Invitae Variant Classification Sherloc (09022015). Collection method: clinical testing. Allele origin: germline.
Comment: This sequence change replaces proline, which is neutral and non-polar, with arginine, which is basic and polar, at codon 244 of the KBTBD13 protein (p.Pro244Arg). This variant is not present in population databases (gnomAD no frequency). This variant has not been reported in the literature in individuals affected with KBTBD13-related conditions. Invitae Evidence Modeling of protein sequence and biophysical properties (such as structural, functional, and spatial information, amino acid conservation, physicochemical variation, residue mobility, and thermodynamic stability) has been performed for this missense variant. However, the output from this modeling did not meet the statistical confidence thresholds required to predict the impact of this variant on KBTBD13 protein function. In summary, the available evidence is currently insufficient to determine the role of this variant in disease. Therefore, it has been classified as a Variant of Uncertain Significance.

NM_001101362.3(KBTBD13):c.731C>G (p.Pro244Arg)

Gene: KBTBD13 (kelch repeat and BTB domain containing 13; plus strand). Cytogenetic location: 15q22.31.
Variant type: single nucleotide variant.
Coding change: c.731C>G on transcript NM_001101362.3 (MANE Select); coding-DNA position 731, C replaced by G.
Protein change: p.Pro244Arg; replaces proline 244 with arginine.
Molecular consequence: missense variant.
Genome position (GRCh38, 1-based): chr15:65,077,546, C>G. VCF-style: chr15-65077546-C-G. GRCh37 (hg19) VCF-style: chr15-65369884-C-G.
Other names: short protein forms P244R.
Identifiers: ClinVar variation 4702150 (VCV004702150.1).